The following is an entry in ClinVar:

NM_000123.4(ERCC5):c.2975G>A (p.Arg992Gln)

Genes: BIVM-ERCC5 (BIVM-ERCC5 readthrough; plus strand), ERCC5 (ERCC excision repair 5, endonuclease; plus strand). Cytogenetic location: 13q33.1.
Variant type: single nucleotide variant.
Coding change: c.2975G>A on transcript NM_000123.4 (MANE Select); coding-DNA position 2975, G replaced by A.
Protein change: p.Arg992Gln; replaces arginine 992 with glutamine.
Molecular consequence: missense variant.
Genome position (GRCh38, 1-based): chr13:102,875,317, G>A. VCF-style: chr13-102875317-G-A. GRCh37 (hg19) VCF-style: chr13-103527667-G-A.
Other names: c.4337G>A, p.Arg1446Gln (NM_001204425.2); short protein forms R1446Q, R992Q.
Identifiers: ClinVar variation 3768796 (VCV003768796.3).

ClinVar aggregate classification (germline): Uncertain significance. Review status: criteria provided, multiple submitters, no conflicts (2 of 4 stars). 2 submissions from 2 submitters: Uncertain significance (2). Last evaluated 2026-05-22.

gnomAD v4.1: 90 of 1,613,550 alleles (0.0056%); highest among the groups gnomAD compares: Middle Eastern, 0.049%; no homozygotes.

Submissions (2):

GeneDx
Classification: Uncertain significance. Last evaluated: 2026-05-22. Review status: criteria provided, single submitter. Criteria: GeneDx Variant Classification Process June 2021. Collection method: clinical testing. Allele origin: germline.
Comment: Not observed at significant frequency in large population cohorts (gnomAD); In silico analysis suggests that this missense variant does not alter protein structure/function; Has not been previously published as pathogenic or benign in association with an ERCC5-related impaired nucleotide-excision repair disorder to our knowledge; This variant is associated with the following publications: (PMID: 37688579)

Women's Health and Genetics/Laboratory Corporation of America, LabCorp
Classification: Uncertain significance. Last evaluated: 2025-02-03. Review status: criteria provided, single submitter. Criteria: LabCorp Variant Classification Summary - May 2015. Collection method: clinical testing. Allele origin: germline.
Comment: Variant summary: ERCC5 c.2975G>A (p.Arg992Gln) results in a conservative amino acid change in the encoded protein sequence. Three of four in-silico tools predict a damaging effect of the variant on protein function. The variant allele was found at a frequency of 5.4e-05 in 1606556 control chromosomes in the gnomAD database (v4.1 dataset). This frequency is not higher than the maximum estimated for a pathogenic variant in ERCC5 causing Xeroderma Pigmentosum (0.00019), allowing no conclusion about variant significance. c.2975G>A has been reported in the literature in an individual affected with neuroblastoma (Kim_2024). These report(s) do not provide unequivocal conclusions about association of the variant with Xeroderma Pigmentosum. To our knowledge, no experimental evidence demonstrating an impact on protein function has been reported. However, different missense variants affecting the same amino acid (R992A and R992E) have been reported to result in a small but reproducible decrease in repair efficacy in vitro (PMID 9305916). The following publication have been ascertained in the context of this evaluation (PMID: 37688579). No submitters have cited clinical-significance assessments for this variant to ClinVar. Based on the evidence outlined above, the variant was classified as uncertain significance.

Literature cited by the submitters: PubMed 37688579 (cited by Women's Health and Genetics/Laboratory Corporation of America, LabCorp).